The following is an entry in ClinVar:

NM_000383.4(AIRE):c.1102C>G (p.Pro368Ala)

Gene: AIRE (autoimmune regulator; plus strand). Cytogenetic location: 21q22.3.
Variant type: single nucleotide variant.
Coding change: c.1102C>G on transcript NM_000383.4 (MANE Select); coding-DNA position 1102, C replaced by G.
Protein change: p.Pro368Ala; replaces proline 368 with alanine.
Molecular consequence: missense variant.
Genome position (GRCh38, 1-based): chr21:44,292,999, C>G. VCF-style: chr21-44292999-C-G. GRCh37 (hg19) VCF-style: chr21-45712882-C-G.
Other names: short protein forms P368A.
Identifiers: ClinVar variation 1038218 (VCV001038218.6), dbSNP rs768381413, ClinGen allele CA410425263.
Genomic context (GRCh38, chr21:44,292,999, plus strand): 5'-GGTGGTGCCGGGCAGGCGCCCGCTGCCCCTCTGATGCTGACCCTTGGGTTCCAGCTCCCC[C>G]CGGGGCTTAGGTCGGCGGGAGAGGAGGTAAGAGGTCCACCTGGGGAACCCCTAGCCGGCA-3'
Protein context (NP_000374.1, residues 358-378): QEPPVETPLP[Pro368Ala]GLRSAGEEVR

ClinVar aggregate classification (germline): Uncertain significance (1 of 4 stars; one submission).

Conditions:
Polyglandular autoimmune syndrome, type 1 (APS1). Also called: PGA I; AUTOIMMUNE POLYENDOCRINE SYNDROME, TYPE I, WITH OR WITHOUT REVERSIBLE METAPHYSEAL DYSPLASIA; Autoimmune polyendocrine syndrome type 1; HYPOADRENOCORTICISM WITH HYPOPARATHYROIDISM AND SUPERFICIAL MONILIASIS; Autoimmune polyendocrinopathy syndrome, type I; APS I. Identifiers: Orphanet 3453, MedGen C0085859, MONDO:0009411, OMIM 240300.

gnomAD v4.1: 14 of 1,612,402 alleles (0.00087%); highest among the groups gnomAD compares: Non-Finnish European, 0.00085%; no homozygotes.

Submission:

Labcorp Genetics (formerly Invitae), Labcorp
Classification: Uncertain significance for Polyglandular autoimmune syndrome, type 1. Last evaluated: 2022-03-16. Review status: criteria provided, single submitter. Criteria: Invitae Variant Classification Sherloc (09022015). Collection method: clinical testing. Allele origin: germline.
Comment: This sequence change replaces proline, which is neutral and non-polar, with alanine, which is neutral and non-polar, at codon 368 of the AIRE protein (p.Pro368Ala). This variant is not present in population databases (gnomAD no frequency). This variant has not been reported in the literature in individuals affected with AIRE-related conditions. ClinVar contains an entry for this variant (Variation ID: 1038218). Algorithms developed to predict the effect of missense changes on protein structure and function (SIFT, PolyPhen-2, Align-GVGD) all suggest that this variant is likely to be tolerated. In summary, the available evidence is currently insufficient to determine the role of this variant in disease. Therefore, it has been classified as a Variant of Uncertain Significance.